The following is an entry in ClinVar:

ClinVar aggregate classification (germline): Benign. Review status: criteria provided, multiple submitters, no conflicts (2 of 4 stars). 9 submissions from 9 submitters: Benign (7). 2 of the submissions do not count toward it. Last evaluated 2026-02-04.

Conditions:
Oculotrichoanal syndrome (MOTA). Also called: MARLES SYNDROME; Manitoba Oculotrichoanal (MOTA) Syndrome. Identifiers: Orphanet 2717, MedGen C1855425, MONDO:0009560, OMIM 248450.

Allele frequency attached by ClinVar (database versions not stated): TOPMed 0.72232; ESP Exome Variant Server 0.72747; gnomAD 0.72914 and 0.73889; 1000 Genomes Project 30x 0.75796; 1000 Genomes Project 0.76957; ExAC 0.80540.
gnomAD v4.1: 1,266,336 of 1,590,922 alleles (80%); highest among the groups gnomAD compares: East Asian, 96%; 507,722 homozygotes.

Submissions (9):

Labcorp Genetics (formerly Invitae), Labcorp
Classification: Benign. Last evaluated: 2026-02-04. Review status: criteria provided, single submitter. Criteria: Invitae Variant Classification Sherloc (09022015). Collection method: clinical testing. Allele origin: germline.

Blueprint Genetics
Classification: Benign. Last evaluated: 2024-11-27. Review status: criteria provided, single submitter. Criteria: ACMG Guidelines, 2015. Collection method: clinical testing. Allele origin: germline.

Genome-Nilou Lab
Classification: Benign for Oculotrichoanal syndrome. Last evaluated: 2021-08-10. Review status: criteria provided, single submitter. Criteria: ACMG Guidelines, 2015. Collection method: clinical testing. Allele origin: germline. Affected: no.

GeneDx
Classification: Benign. Last evaluated: 2020-01-21. Review status: criteria provided, single submitter. Criteria: GeneDx Variant Classification Process June 2021. Collection method: clinical testing. Allele origin: germline. Affected: yes.

Illumina Laboratory Services, Illumina
Classification: Benign for Oculotrichoanal syndrome. Last evaluated: 2018-01-13. Review status: criteria provided, single submitter. Criteria: ICSL Variant Classification Criteria 13 December 2019. Collection method: clinical testing. Allele origin: germline.
Comment: This variant was observed in the ICSL laboratory as part of a predisposition screen in an ostensibly healthy population. It had not been previously curated by ICSL or reported in the Human Gene Mutation Database (HGMD: prior to June 1st, 2018), and was therefore a candidate for classification through an automated scoring system. Utilizing variant allele frequency, disease prevalence and penetrance estimates, and inheritance mode, an automated score was calculated to assess if this variant is too frequent to cause the disease. Based on the score and internal cut-off values, a variant classified as benign is not then subjected to further curation. The score for this variant resulted in a classification of benign for this disease.

Breakthrough Genomics
Classification: Benign. Review status: criteria provided, single submitter. Criteria: ACMG Guidelines, 2015. Collection method: not provided. Allele origin: germline. Inheritance: Autosomal recessive inheritance. Affected: yes.

PreventionGenetics, part of Exact Sciences
Classification: Benign. Review status: criteria provided, single submitter. Criteria: ACMG Guidelines, 2015. Collection method: clinical testing. Allele origin: germline.

Diagnostic Laboratory, Department of Genetics, University Medical Center Groningen
Classification: Benign. Review status: no assertion criteria provided. Collection method: clinical testing. Allele origin: germline. Affected: yes. Study: VKGL Data-share Consensus. Not counted in ClinVar's aggregate classification.

Genome Diagnostics Laboratory, University Medical Center Utrecht
Classification: Benign. Review status: no assertion criteria provided. Collection method: clinical testing. Allele origin: germline. Affected: yes. Study: VKGL Data-share Consensus. Not counted in ClinVar's aggregate classification.

NM_001379081.2(FREM1):c.829-12A>G

Gene: FREM1 (FRAS1 related extracellular matrix 1; minus strand). Cytogenetic location: 9p22.3.
Variant type: single nucleotide variant.
Coding change: c.829-12A>G on transcript NM_001379081.2 (MANE Select); 12 bases into the intron before coding-DNA position 829, A replaced by G.
Molecular consequence: intron variant.
Genome position (GRCh38, 1-based): chr9:14,851,619, T>C on the plus strand (A>G on the coding strand, the complement: FREM1 is on the minus strand). VCF-style: chr9-14851619-T-C. GRCh37 (hg19) VCF-style: chr9-14851617-T-C.
Other names: c.829-12A>G (NM_144966.7, NM_001370065.1, NM_001370063.1); c.856-12A>G (NM_001370060.1).
Identifiers: ClinVar variation 262546 (VCV000262546.22), dbSNP rs2818940, ClinGen allele CA4991435.